The following is an entry in ClinVar:

NM_139242.4(MTFMT):c.1A>T (p.Met1Leu)

Genes: MTFMT (mitochondrial methionyl-tRNA formyltransferase; minus strand), LOC130057309 (ATAC-STARR-seq lymphoblastoid silent region 6550; plus strand). Cytogenetic location: 15q22.31.
Variant type: single nucleotide variant.
Coding change: c.1A>T on transcript NM_139242.4 (MANE Select); coding-DNA position 1, A replaced by T.
Protein change: p.Met1Leu; changes the start codon (methionine 1).
Molecular consequence: missense variant, initiator codon variant.
Genome position (GRCh38, 1-based): chr15:65,029,613, T>A on the plus strand (A>T on the coding strand, the complement: MTFMT is on the minus strand). VCF-style: chr15-65029613-T-A. GRCh37 (hg19) VCF-style: chr15-65321951-T-A.
Other names: short protein forms M1L.
Identifiers: ClinVar variation 1993961 (VCV001993961.5), dbSNP rs769064443, ClinGen allele CA392863971.
Genomic context (GRCh38, chr15:65,029,613, plus strand): 5'-TCCCACGCCTGGCGCCATGAGCCAGCGGAGGACCCCAACAGCGCCGCACCAACACCCTCA[T>A]CGCCTCGGCCGCCGGCGGCCGGCCCTGCGCAGGCGCATCGGGGCGGGGACAAGGGTGCAG-3'
Protein context (NP_640335.2, residues 1-11): [Met1Leu]RVLVRRCWGP

ClinVar aggregate classification (germline): Pathogenic (1 of 4 stars; one submission).

Submission:

Labcorp Genetics (formerly Invitae), Labcorp
Classification: Pathogenic. Last evaluated: 2024-02-05. Review status: criteria provided, single submitter. Criteria: Invitae Variant Classification Sherloc (09022015). Collection method: clinical testing. Allele origin: germline.
Comment: This sequence change affects the initiator methionine of the MTFMT mRNA. The next in-frame methionine is located at codon 86. This variant is not present in population databases (gnomAD no frequency). This variant has not been reported in the literature in individuals affected with MTFMT-related conditions. ClinVar contains an entry for this variant (Variation ID: 1993961). This variant disrupts a region of the MTFMT protein in which other variant(s) (p.Gly54Ser) have been determined to be pathogenic (PMID: 30369941, 30911575). This suggests that this is a clinically significant region of the protein, and that variants that disrupt it are likely to be disease-causing. For these reasons, this variant has been classified as Pathogenic.

Literature cited by the submitters: PubMed 30369941; PubMed 30911575.